The following is an entry in ClinVar:

ClinVar aggregate classification (germline): Likely benign. Review status: criteria provided, multiple submitters, no conflicts (2 of 4 stars). 6 submissions from 6 submitters: Likely benign (6). Last evaluated 2025-12-07.

Conditions:
Hereditary breast ovarian cancer syndrome. Also called: Breast and ovarian cancer; Hereditary breast and/or ovarian cancer syndrome; BRCA1- and BRCA2-Associated Hereditary Breast and Ovarian Cancer; Hereditary breast and ovarian cancer syndrome; Hereditary breast and ovarian cancer syndrome (HBOC); Hereditary breast and ovarian cancer. Identifiers: Orphanet 145, MedGen C0677776, MeSH D061325, MONDO:0003582. Disease mechanism: loss of function.
Breast-ovarian cancer, familial, susceptibility to, 1 (BROVCA1). Also called: BRCA1 Hereditary Breast and Ovarian Cancer; OVARIAN CANCER, SUSCEPTIBILITY TO. Identifiers: Orphanet 145, MedGen C2676676, MONDO:0011450, OMIM 604370. Disease mechanism: loss of function.
Hereditary cancer-predisposing syndrome. Also called: Tumor predisposition; Hereditary Cancer Syndrome; Hereditary neoplastic syndrome; Neoplastic Syndromes, Hereditary. Identifiers: Orphanet 140162, MedGen C0027672, MeSH D009386, MONDO:0015356.

Allele frequency attached by ClinVar (database versions not stated): gnomAD exomes below 0.00001; TOPMed 0.00001.
gnomAD v4.1: 6 of 1,614,120 alleles (0.00037%); highest among the groups gnomAD compares: Non-Finnish European, 0.00051%; no homozygotes.

Submissions (6):

Labcorp Genetics (formerly Invitae), Labcorp
Classification: Likely benign for Hereditary breast ovarian cancer syndrome. Last evaluated: 2025-12-07. Review status: criteria provided, single submitter. Criteria: Invitae Variant Classification Sherloc (09022015). Collection method: clinical testing. Allele origin: germline.

Quest Diagnostics Nichols Institute San Juan Capistrano
Classification: Likely benign. Last evaluated: 2025-07-30. Review status: criteria provided, single submitter. Criteria: Quest Diagnostics criteria. Collection method: clinical testing. Allele origin: unknown.

Molecular Diagnostics Laboratory, Catalan Institute of Oncology
Classification: Likely benign for Hereditary cancer-predisposing syndrome. Last evaluated: 2025-04-23. Review status: criteria provided, single submitter. Criteria: ClinGen BRCA1BRCA2 ACMG Specifications BRCA1 V1.0.0. Collection method: clinical testing. Allele origin: germline.
Comment: PM2_Supporting, BP1_Strong c.3588A>C, located in exon 10 of the BRCA1 gene, is predicted to result in no amino acid change, p.(Thr1196=). This position is outside a (potentially) clinically important functional domain and, moreover, the SpliceAI algorithm predicts no significant impact on splicing (BP1_strong). It is not present in the population database gnomAD v2.1.1, non cancer dataset (PM2_supporting). To our knowledge, neither multifactorial analysis nor well-stablished functional studies have been reported for this variant. In addition, the variant has been identified in the ClinVar** database (1x as benign, 3x as likely benign), and BRCA Exchange database (not yet reviewed), but it is not present in the LOVD database. Based on the currently available information, c.3588A>C is classified as a likely benign variant according to ClinGen-BRCA1 Guidelines version 1.

Ambry Genetics
Classification: Likely benign for Hereditary cancer-predisposing syndrome. Last evaluated: 2024-07-30. Review status: criteria provided, single submitter. Criteria: Ambry Variant Classification Scheme 2023. Collection method: clinical testing. Allele origin: germline.

All of Us Research Program, National Institutes of Health
Classification: Likely benign for Breast-ovarian cancer, familial, susceptibility to, 1. Last evaluated: 2023-06-28. Review status: criteria provided, single submitter. Criteria: ACMG Guidelines, 2015. Collection method: clinical testing. Allele origin: germline. Inheritance: Autosomal dominant inheritance. Observed: 1 variant allele, 1 heterozygote.
Comment: This study involves interpretation of variants in research participants for the purpose of population health screening. Participant phenotype was not available at the time of variant classification. Additional details can be found in publication PMID: 35346344, PMCID: PMC8962531

Color Diagnostics, LLC DBA Color Health
Classification: Likely benign for Hereditary cancer-predisposing syndrome. Last evaluated: 2017-09-22. Review status: criteria provided, single submitter. Criteria: ACMG Guidelines, 2015. Collection method: clinical testing. Allele origin: germline.

Literature cited by the submitters: PubMed 29310832 (cited by Quest Diagnostics Nichols Institute San Juan Capistrano).

NM_007294.4(BRCA1):c.3588A>C (p.Thr1196=)

Genes: BRCA1 (BRCA1 DNA repair associated; minus strand), LOC126862571 (BRD4-independent group 4 enhancer GRCh37_chr17:41243136-41244335; plus strand). Cytogenetic location: 17q21.31.
Variant type: single nucleotide variant.
Coding change: c.3588A>C on transcript NM_007294.4 (MANE Select); coding-DNA position 3588, A replaced by C.
Protein change: p.Thr1196=; no amino-acid change (threonine 1196 retained).
Molecular consequence: synonymous variant. On other transcripts: intron variant (135).
Genome position (GRCh38, 1-based): chr17:43,091,943, T>G on the plus strand (A>C on the coding strand, the complement: BRCA1 is on the minus strand). VCF-style: chr17-43091943-T-G. GRCh37 (hg19) VCF-style: chr17-41243960-T-G.
Other names: c.3444A>C, p.Thr1148= (NM_001407743.1, NM_001407744.1, NM_001407745.1 and 20 more transcripts); c.3447A>C, p.Thr1149= (NM_001407750.1, NM_001407751.1, NM_001407752.1 and 29 more transcripts); c.3375A>C, p.Thr1125= (NM_001407853.1, NM_001407894.1, NM_001407895.1 and 9 more transcripts); c.3588A>C, p.Thr1196= (NM_001407854.1, NM_001407858.1, NM_001407859.1 and 30 more transcripts); c.3585A>C, p.Thr1195= (NM_001407860.1, NM_001407861.1, NM_001407587.1 and 22 more transcripts); c.3387A>C, p.Thr1129= (NM_001407862.1); c.3465A>C, p.Thr1155= (NM_001407863.1, NM_001407919.1, NM_001407937.1 and 19 more transcripts); c.3384A>C, p.Thr1128= (NM_001407874.1, NM_001407875.1); and 41 more.
Identifiers: ClinVar variation 481439 (VCV000481439.23), dbSNP rs876658595, ClinGen allele CA500232029.